The following is an entry in ClinVar:

NM_001384474.1(LOXHD1):c.3913+2T>A

Gene: LOXHD1 (lipoxygenase homology PLAT domains 1; minus strand). Cytogenetic location: 18q21.1.
Variant type: single nucleotide variant.
Coding change: c.3913+2T>A on transcript NM_001384474.1 (MANE Select); the canonical splice donor site of the intron after coding-DNA position 3913, T replaced by A.
Molecular consequence: splice donor variant.
Genome position (GRCh38, 1-based): chr18:46,541,774, A>T on the plus strand (T>A on the coding strand, the complement: LOXHD1 is on the minus strand). VCF-style: chr18-46541774-A-T. GRCh37 (hg19) VCF-style: chr18-44121737-A-T.
Other names: c.580+2T>A (NM_001145472.3); c.292+2T>A (NM_001308013.2); c.3913+2T>A (NM_144612.7).
Identifiers: ClinVar variation 1500859 (VCV001500859.6), dbSNP rs901636863, ClinGen allele CA402377377.
Genomic context (GRCh38, chr18:46,541,774, plus strand): 5'-AGTTGGGGTAGCTGGTGATGGGGCCCCAGAGAAGGGCTGGCCTTGCCGTGTGTGGTTCCT[A>T]CATGGTGTGTACAGCCTCGTCTGAAGCTCTGCATGGAAGAGGTCTCTGATGATGGACCCG-3'

ClinVar aggregate classification (germline): Likely pathogenic (1 of 4 stars; one submission).

Submission:

Labcorp Genetics (formerly Invitae), Labcorp
Classification: Likely pathogenic. Last evaluated: 2022-10-03. Review status: criteria provided, single submitter. Criteria: Invitae Variant Classification Sherloc (09022015). Collection method: clinical testing. Allele origin: germline.
Comment: Algorithms developed to predict the effect of sequence changes on RNA splicing suggest that this variant may disrupt the consensus splice site. ClinVar contains an entry for this variant (Variation ID: 1500859). This variant has not been reported in the literature in individuals affected with LOXHD1-related conditions. This variant is not present in population databases (gnomAD no frequency). This sequence change affects a donor splice site in intron 25 of the LOXHD1 gene. It is expected to disrupt RNA splicing. Variants that disrupt the donor or acceptor splice site typically lead to a loss of protein function (PMID: 16199547), and loss-of-function variants in LOXHD1 are known to be pathogenic (PMID: 19732867, 21465660, 25792669). In summary, the currently available evidence indicates that the variant is pathogenic, but additional data are needed to prove that conclusively. Therefore, this variant has been classified as Likely Pathogenic.

Literature cited by the submitters: PubMed 16199547; PubMed 19732867; PubMed 21465660; PubMed 25792669.